The following is an entry in ClinVar:

ClinVar aggregate classification (germline): Likely benign (1 of 4 stars; one submission).

gnomAD v4.1: 14 of 1,613,968 alleles (0.00087%); highest among the groups gnomAD compares: Non-Finnish European, 0.0012%; no homozygotes.

Submission:

CeGaT Center for Human Genetics Tuebingen
Classification: Likely benign. Last evaluated: 2024-11-01. Review status: criteria provided, single submitter. Criteria: CeGaT Center For Human Genetics Tuebingen Variant Classification Criteria Version 2. Collection method: clinical testing. Allele origin: germline. Affected: yes. Observed: 1 variant allele.
Comment: DLL1: BP4, BP7

NM_005618.4(DLL1):c.1062C>T (p.Cys354=)

Gene: DLL1 (delta like canonical Notch ligand 1; minus strand). Cytogenetic location: 6q27.
Variant type: single nucleotide variant.
Coding change: c.1062C>T on transcript NM_005618.4 (MANE Select); coding-DNA position 1062, C replaced by T.
Protein change: p.Cys354=; no amino-acid change (cysteine 354 retained).
Molecular consequence: synonymous variant.
Genome position (GRCh38, 1-based): chr6:170,285,106, G>A on the plus strand (C>T on the coding strand, the complement: DLL1 is on the minus strand). VCF-style: chr6-170285106-G-A. GRCh37 (hg19) VCF-style: chr6-170594194-G-A.
Identifiers: ClinVar variation 3388942 (VCV003388942.14).
Genomic context (GRCh38, chr6:170,285,106, plus strand): 5'-AGGGCCGTCCGCACAGGTCATGGCACTCAATTCACAGATTTTGCCGTAGAAGCCGGGTGG[G>A]CAGGTACAGGAGTAGCTGTTCTCGAGATCCTACACGATGGAGAGGTCAGAAAAGGCTTTC-3'
Protein context (NP_005609.3, residues 344-364): TDLENSYSCT[Cys354=]PPGFYGKICE